The following is an entry in ClinVar:

ClinVar aggregate classification (germline): Uncertain significance (1 of 4 stars; one submission).

Conditions:
Charcot-Marie-Tooth disease axonal type 2U. Also called: CHARCOT-MARIE-TOOTH NEUROPATHY, TYPE 2U; CHARCOT-MARIE-TOOTH DISEASE, AXONAL, AUTOSOMAL DOMINANT, TYPE 2U. Identifiers: Orphanet 397735, MedGen C4084821, MONDO:0014566, OMIM 616280.
Severe early-onset pulmonary alveolar proteinosis due to MARS deficiency. Also called: PULMONARY ALVEOLAR PROTEINOSIS, REUNION ISLAND; Interstitial lung and liver disease. Identifiers: Orphanet 440427, MedGen C4225400, MONDO:0014206, OMIM 615486.

Allele frequency attached by ClinVar (database versions not stated): gnomAD exomes below 0.00001; ExAC 0.00001; TOPMed 0.00002; gnomAD 0.00005.
gnomAD v4.1: 12 of 1,614,002 alleles (0.00074%); highest among the groups gnomAD compares: African/African-American, 0.012%; no homozygotes.

Submission:

Labcorp Genetics (formerly Invitae), Labcorp
Classification: Uncertain significance for Charcot-Marie-Tooth disease axonal type 2U; Severe early-onset pulmonary alveolar proteinosis due to MARS deficiency. Last evaluated: 2023-04-22. Review status: criteria provided, single submitter. Criteria: Invitae Variant Classification Sherloc (09022015). Collection method: clinical testing. Allele origin: germline.
Comment: In summary, the available evidence is currently insufficient to determine the role of this variant in disease. Therefore, it has been classified as a Variant of Uncertain Significance. An algorithm developed to predict the effect of missense changes on protein structure and function (PolyPhen-2) suggests that this variant is likely to be tolerated. This variant has not been reported in the literature in individuals affected with MARS-related conditions. This variant is present in population databases (rs760285704, gnomAD 0.02%). This sequence change replaces threonine, which is neutral and polar, with isoleucine, which is neutral and non-polar, at codon 850 of the MARS protein (p.Thr850Ile).

NM_004990.4(MARS1):c.2549C>T (p.Thr850Ile)

Gene: MARS1 (methionyl-tRNA synthetase 1; plus strand). Cytogenetic location: 12q13.3.
Variant type: single nucleotide variant.
Coding change: c.2549C>T on transcript NM_004990.4 (MANE Select); coding-DNA position 2549, C replaced by T.
Protein change: p.Thr850Ile; replaces threonine 850 with isoleucine.
Molecular consequence: missense variant.
Genome position (GRCh38, 1-based): chr12:57,516,330, C>T. VCF-style: chr12-57516330-C-T. GRCh37 (hg19) VCF-style: chr12-57910113-C-T.
Other names: short protein forms T850I.
Identifiers: ClinVar variation 2933322 (VCV002933322.3), dbSNP rs760285704, ClinGen allele CA6650882.